The following is an entry in ClinVar:

NM_000341.4(SLC3A1):c.247C>T (p.Arg83Cys)

Gene: SLC3A1 (solute carrier family 3 member 1; plus strand). Cytogenetic location: 2p21.
Variant type: single nucleotide variant.
Coding change: c.247C>T on transcript NM_000341.4 (MANE Select); coding-DNA position 247, C replaced by T.
Protein change: p.Arg83Cys; replaces arginine 83 with cysteine.
Molecular consequence: missense variant.
Genome position (GRCh38, 1-based): chr2:44,275,782, C>T. VCF-style: chr2-44275782-C-T. GRCh37 (hg19) VCF-style: chr2-44502921-C-T.
Other names: short protein forms R83C.
Identifiers: ClinVar variation 840022 (VCV000840022.13), dbSNP rs148946634, ClinGen allele CA1640061.

ClinVar aggregate classification (germline): Uncertain significance. Review status: criteria provided, multiple submitters, no conflicts (2 of 4 stars). 3 submissions from 3 submitters: Uncertain significance (3). Last evaluated 2025-10-27.

Conditions:
Cystinuria (CSNU). Also called: CYSTINURIA, TYPE I; CYSTINURIA, TYPE II; CYSTINURIA, TYPE III; Cystinuria, non-type I. Identifiers: Orphanet 214, MedGen C0010691, MONDO:0009067, OMIM 220100, HP:0003131.

Allele frequency attached by ClinVar (database versions not stated): gnomAD 0.00007; ESP Exome Variant Server 0.00008; ExAC 0.00009; gnomAD exomes 0.00009 and 0.00016; TOPMed 0.00011.

Submissions (3):

Labcorp Genetics (formerly Invitae), Labcorp
Classification: Uncertain significance for Cystinuria. Last evaluated: 2025-10-27. Review status: criteria provided, single submitter. Criteria: Invitae Variant Classification Sherloc (09022015). Collection method: clinical testing. Allele origin: germline.
Comment: This sequence change replaces arginine, which is basic and polar, with cysteine, which is neutral and slightly polar, at codon 83 of the SLC3A1 protein (p.Arg83Cys). This variant is present in population databases (rs148946634, gnomAD 0.02%). This variant has not been reported in the literature in individuals affected with SLC3A1-related conditions. ClinVar contains an entry for this variant (Variation ID: 840022). An algorithm developed to predict the effect of missense changes on protein structure and function (PolyPhen-2) suggests that this variant is likely to be disruptive. In summary, the available evidence is currently insufficient to determine the role of this variant in disease. Therefore, it has been classified as a Variant of Uncertain Significance.

Fulgent Genetics
Classification: Uncertain significance for Cystinuria. Last evaluated: 2024-03-08. Review status: criteria provided, single submitter. Criteria: ACMG Guidelines, 2015. Collection method: clinical testing. Allele origin: germline.

Illumina Laboratory Services, Illumina
Classification: Uncertain significance for Cystinuria. Last evaluated: 2018-01-12. Review status: criteria provided, single submitter. Criteria: ICSL Variant Classification Criteria 13 December 2019. Collection method: clinical testing. Allele origin: germline.